The following is an entry in ClinVar:

NM_006939.4(SOS2):c.2561T>C (p.Ile854Thr)

Gene: SOS2 (SOS Ras/Rho guanine nucleotide exchange factor 2; minus strand). Cytogenetic location: 14q21.3.
Variant type: single nucleotide variant.
Coding change: c.2561T>C on transcript NM_006939.4 (MANE Select); coding-DNA position 2561, T replaced by C.
Protein change: p.Ile854Thr; replaces isoleucine 854 with threonine.
Molecular consequence: missense variant.
Genome position (GRCh38, 1-based): chr14:50,145,276, A>G on the plus strand (T>C on the coding strand, the complement: SOS2 is on the minus strand). VCF-style: chr14-50145276-A-G. GRCh37 (hg19) VCF-style: chr14-50611994-A-G.
Other names: c.2462T>C, p.Ile821Thr (NM_001411020.1); c.2561T>C (NM_006939.2); short protein forms I854T, I821T.
Identifiers: ClinVar variation 1982619 (VCV001982619.5), dbSNP rs1431999988, ClinGen allele CA389643114.

ClinVar aggregate classification (germline): Uncertain significance. Review status: criteria provided, multiple submitters, no conflicts (2 of 4 stars). 2 submissions from 2 submitters: Uncertain significance (2). Last evaluated 2026-02-27.

Conditions:
Noonan syndrome 9 (NS9). Identifiers: Orphanet 648, MedGen C4225282, MONDO:0014691, OMIM 616559.
Cardiovascular phenotype. Identifiers: MedGen CN230736.

Allele frequency attached by ClinVar (database versions not stated): gnomAD exomes below 0.00001; TOPMed below 0.00001; gnomAD 0.00001.
gnomAD v4.1: 6 of 1,612,124 alleles (0.00037%); highest among the groups gnomAD compares: African/African-American, 0.0013%; no homozygotes.

Submissions (2):

Ambry Genetics
Classification: Uncertain significance for Cardiovascular phenotype. Last evaluated: 2026-02-27. Review status: criteria provided, single submitter. Criteria: Ambry Variant Classification Scheme 2023. Collection method: clinical testing. Allele origin: germline.
Comment: The c.2561T>C (p.I854T) alteration is located in exon 16 (coding exon 16) of the SOS2 gene. This alteration results from a T to C substitution at nucleotide position 2561, causing the isoleucine (I) at amino acid position 854 to be replaced by a threonine (T). Based on data from gnomAD, the C allele has an overall frequency of <0.001% (1/249766) total alleles studied. The highest observed frequency was 0.006% (1/16018) of African alleles. Based on insufficient or conflicting evidence, the clinical significance of this alteration remains unclear.

Labcorp Genetics (formerly Invitae), Labcorp
Classification: Uncertain significance for Noonan syndrome 9. Last evaluated: 2024-06-30. Review status: criteria provided, single submitter. Criteria: Invitae Variant Classification Sherloc (09022015). Collection method: clinical testing. Allele origin: germline.
Comment: This sequence change replaces isoleucine, which is neutral and non-polar, with threonine, which is neutral and polar, at codon 854 of the SOS2 protein (p.Ile854Thr). This variant is present in population databases (no rsID available, gnomAD 0.007%). This variant has not been reported in the literature in individuals affected with SOS2-related conditions. ClinVar contains an entry for this variant (Variation ID: 1982619). Advanced modeling of protein sequence and biophysical properties (such as structural, functional, and spatial information, amino acid conservation, physicochemical variation, residue mobility, and thermodynamic stability) performed at Invitae indicates that this missense variant is expected to disrupt SOS2 protein function with a positive predictive value of 80%. In summary, the available evidence is currently insufficient to determine the role of this variant in disease. Therefore, it has been classified as a Variant of Uncertain Significance.